The following is an entry in ClinVar:

ClinVar aggregate classification (germline): Conflicting classifications of pathogenicity. Review status: criteria provided, conflicting classifications (1 of 4 stars). 4 submissions from 2 submitters: Uncertain significance (3); Likely benign (1). Last evaluated 2023-07-01.

Conditions:
Nephronophthisis 8. Identifiers: MedGen CN119610.
Meckel syndrome, type 5 (MKS5). Identifiers: Orphanet 564, MedGen C1969052, MONDO:0012695, OMIM 611561.
Joubert syndrome 7 (JBTS7). Identifiers: Orphanet 220497, MedGen C1969053, MONDO:0012694, OMIM 611560.

Allele frequency attached by ClinVar (database versions not stated): 1000 Genomes Project 0.00280; 1000 Genomes Project 30x 0.00328; gnomAD exomes 0.00337; gnomAD 0.00517 and 0.00564; TOPMed 0.00574.
gnomAD v4.1: 872 of 160,906 alleles (0.54%); highest among the groups gnomAD compares: Non-Finnish European, 0.88%; 8 homozygotes.

Submissions (4):

CeGaT Center for Human Genetics Tuebingen
Classification: Likely benign. Last evaluated: 2023-07-01. Review status: criteria provided, single submitter. Criteria: CeGaT Center For Human Genetics Tuebingen Variant Classification Criteria Version 2. Collection method: clinical testing. Allele origin: germline. Affected: yes. Observed: 4 variant alleles.
Comment: RPGRIP1L: BS2

Illumina Laboratory Services, Illumina
Classification: Uncertain significance for Meckel syndrome, type 5. Last evaluated: 2018-01-12. Review status: criteria provided, single submitter. Criteria: ICSL Variant Classification Criteria 13 December 2019. Collection method: clinical testing. Allele origin: germline.

Illumina Laboratory Services, Illumina
Classification: Uncertain significance for Nephronophthisis 8. Last evaluated: 2018-01-12. Review status: criteria provided, single submitter. Criteria: ICSL Variant Classification Criteria 13 December 2019. Collection method: clinical testing. Allele origin: germline.

Illumina Laboratory Services, Illumina
Classification: Uncertain significance for Joubert syndrome 7. Last evaluated: 2018-01-12. Review status: criteria provided, single submitter. Criteria: ICSL Variant Classification Criteria 13 December 2019. Collection method: clinical testing. Allele origin: germline.

NM_015272.5(RPGRIP1L):c.*491C>G

Gene: RPGRIP1L (RPGRIP1 like; minus strand). Cytogenetic location: 16q12.2.
Variant type: single nucleotide variant.
Coding change: c.*491C>G on transcript NM_015272.5 (MANE Select); 491 bases downstream of the stop codon, C replaced by G.
Molecular consequence: 3 prime UTR variant.
Genome position (GRCh38, 1-based): chr16:53,601,585, G>C on the plus strand (C>G on the coding strand, the complement: RPGRIP1L is on the minus strand). VCF-style: chr16-53601585-G-C. GRCh37 (hg19) VCF-style: chr16-53635497-G-C.
Other names: c.*491C>G (NM_001127897.4, NM_001308334.3, NM_001330538.2).
Identifiers: ClinVar variation 886309 (VCV000886309.29), dbSNP rs35669682, ClinGen allele CA281347621.